The following is an entry in ClinVar:

ClinVar aggregate classification (germline): Uncertain significance. Review status: criteria provided, multiple submitters, no conflicts (2 of 4 stars). 2 submissions from 2 submitters: Uncertain significance (2). Last evaluated 2023-06-12.

Allele frequency attached by ClinVar (database versions not stated): gnomAD exomes below 0.00001.

Submissions (2):

Blueprint Genetics
Classification: Uncertain significance. Last evaluated: 2023-06-12. Review status: criteria provided, single submitter. Criteria: ACMG Guidelines, 2015. Collection method: clinical testing. Allele origin: germline.

Labcorp Genetics (formerly Invitae), Labcorp
Classification: Uncertain significance. Last evaluated: 2022-11-22. Review status: criteria provided, single submitter. Criteria: Invitae Variant Classification Sherloc (09022015). Collection method: clinical testing. Allele origin: germline.
Comment: In summary, the available evidence is currently insufficient to determine the role of this variant in disease. Therefore, it has been classified as a Variant of Uncertain Significance. Advanced modeling of protein sequence and biophysical properties (such as structural, functional, and spatial information, amino acid conservation, physicochemical variation, residue mobility, and thermodynamic stability) performed at Invitae indicates that this missense variant is expected to disrupt RHO protein function. ClinVar contains an entry for this variant (Variation ID: 866329). This missense change has been observed in individual(s) with clinical features of inherited retinal dystrophy (PMID: 31054281). This variant is present in population databases (no rsID available, gnomAD 0.0009%). This sequence change replaces valine, which is neutral and non-polar, with methionine, which is neutral and non-polar, at codon 11 of the RHO protein (p.Val11Met).

Literature cited by the submitters: PubMed 31054281 (cited by Labcorp Genetics (formerly Invitae), Labcorp).

NM_000539.3(RHO):c.31G>A (p.Val11Met)

Gene: RHO (rhodopsin; plus strand). Cytogenetic location: 3q22.1.
Variant type: single nucleotide variant.
Coding change: c.31G>A on transcript NM_000539.3 (MANE Select); coding-DNA position 31, G replaced by A.
Protein change: p.Val11Met; replaces valine 11 with methionine.
Molecular consequence: missense variant.
Genome position (GRCh38, 1-based): chr3:129,528,764, G>A. VCF-style: chr3-129528764-G-A. GRCh37 (hg19) VCF-style: chr3-129247607-G-A.
Other names: short protein forms V11M.
Identifiers: ClinVar variation 866329 (VCV000866329.10), dbSNP rs1251088622, ClinGen allele CA354495245.
Genomic context (GRCh38, chr3:129,528,764, plus strand): 5'-AGCCACGGGTCAGCCACAAGGGCCACAGCCATGAATGGCACAGAAGGCCCTAACTTCTAC[G>A]TGCCCTTCTCCAATGCGACGGGTGTGGTACGCAGCCCCTTCGAGTACCCACAGTACTACC-3'
Protein context (NP_000530.1, residues 1-21): MNGTEGPNFY[Val11Met]PFSNATGVVR